The following is an entry in ClinVar:

ClinVar aggregate classification (germline): Likely pathogenic (1 of 4 stars; one submission).

Conditions:
Nemaline myopathy 2 (NEM2). Also called: Nemaline myopathy 2, autosomal recessive. Identifiers: MedGen C1850569, MONDO:0009725, OMIM 256030.

Submission:

Myriad Genetics, Inc.
Classification: Likely pathogenic for Nemaline myopathy 2. Last evaluated: 2022-03-31. Review status: criteria provided, single submitter. Criteria: Myriad Women's Health Autosomal Recessive and X-Linked Classification Criteria (2021). Collection method: clinical testing. Allele origin: unknown.
Comment: NM_001271208.1(NEB):c.22727delAinsTT(H7576Lfs*6) is expected to be pathogenic in the context of NEB-related nemaline myopathy. This variant is predicted to lead to an abnormal or absent protein product due to the creation of a premature termination codon in NEB, a gene where loss-of-function variants are known to be pathogenic. Please note: this variant was assessed in the context of healthy population screening.

NM_001164508.2(NEB):c.22622delinsTT (p.His7541fs)

Genes: NEB (nebulin; minus strand), RIF1 (replication timing regulatory factor 1; plus strand). Cytogenetic location: 2q23.3.
Variant type: Indel.
Coding change: c.22622delinsTT on transcript NM_001164508.2 (MANE Select); coding-DNA position 22622, A replaced by TT.
Protein change: p.His7541fs; shifts the reading frame from histidine 7541.
Molecular consequence: frameshift variant.
Genome position (GRCh38, 1-based): chr2:151,519,038, T replaced by AA on the plus strand (A replaced by TT on the coding strand, the reverse complement: NEB is on the minus strand). VCF-style: chr2-151519038-T-AA. GRCh37 (hg19) VCF-style: chr2-152375552-T-AA.
Other names: c.22622delinsTT, p.His7541fs (NM_001164507.2); c.22727delinsTT, p.His7576fs (NM_001271208.2); c.17519delinsTT, p.His5840fs (NM_004543.5); short protein forms H5840fs, H7541fs, H7576fs.
Identifiers: ClinVar variation 1725768 (VCV001725768.2), dbSNP rs2552091118, ClinGen allele CA2580063896.